The following is an entry in ClinVar:

NM_001042492.3(NF1):c.3190C>A (p.Leu1064Ile)

Gene: NF1 (neurofibromin 1; plus strand). Cytogenetic location: 17q11.2.
Variant type: single nucleotide variant.
Coding change: c.3190C>A on transcript NM_001042492.3 (MANE Select); coding-DNA position 3190, C replaced by A.
Protein change: p.Leu1064Ile; replaces leucine 1064 with isoleucine.
Molecular consequence: missense variant.
Genome position (GRCh38, 1-based): chr17:31,230,918, C>A. VCF-style: chr17-31230918-C-A. GRCh37 (hg19) VCF-style: chr17-29557936-C-A.
Other names: c.3190C>A, p.Leu1064Ile (NM_000267.4); short protein forms L1064I.
Identifiers: ClinVar variation 3879000 (VCV003879000.1).

ClinVar aggregate classification (germline): Uncertain significance (1 of 4 stars; one submission).

Conditions:
Cardiovascular phenotype. Identifiers: MedGen CN230736.
Hereditary cancer-predisposing syndrome. Also called: Tumor predisposition; Neoplastic Syndromes, Hereditary; Hereditary Cancer Syndrome; Hereditary neoplastic syndrome. Identifiers: Orphanet 140162, MedGen C0027672, MeSH D009386, MONDO:0015356.

Submission:

Ambry Genetics
Classification: Uncertain significance for Cardiovascular phenotype; Hereditary cancer-predisposing syndrome. Last evaluated: 2024-12-19. Review status: criteria provided, single submitter. Criteria: Ambry Variant Classification Scheme 2023. Collection method: clinical testing. Allele origin: germline.
Comment: The p.L1064I variant (also known as c.3190C>A), located in coding exon 24 of the NF1 gene, results from a C to A substitution at nucleotide position 3190. The leucine at codon 1064 is replaced by isoleucine, an amino acid with highly similar properties. This amino acid position is highly conserved in available vertebrate species. In addition, this alteration is predicted to be tolerated by in silico analysis. Based on the available evidence, the clinical significance of this variant remains unclear.